The following is an entry in ClinVar:

ClinVar aggregate classification (germline): Conflicting classifications of pathogenicity. Review status: criteria provided, conflicting classifications (1 of 4 stars). 9 submissions from 8 submitters: Uncertain significance (4); Benign (1); Likely benign (3). 1 of the submissions does not count toward it. Last evaluated 2026-01-31.

Conditions:
KCNJ10-related disorder. Also called: KCNJ10-related condition; KCNJ10-related disorders. Identifiers: MedGen CN239321.
Inborn genetic diseases. Identifiers: MedGen C0950123, MeSH D030342.
EAST syndrome (SESAMES). Also called: SEIZURES, SENSORINEURAL DEAFNESS, ATAXIA, IMPAIRED INTELLECTUAL DEVELOPMENT, AND ELECTROLYTE IMBALANCE. Identifiers: Orphanet 199343, MedGen C2748572, MONDO:0013005, OMIM 612780.
Autosomal recessive nonsyndromic hearing loss 4 (DFNB4). Also called: Nonsyndromic enlarged vestibular aqueduct (NSEVA); Enlarged vestibular aqueduct, digenic; FOXI1-Related Pendred Syndrome; KCNJ10-Related Pendred Syndrome; DEAFNESS, AUTOSOMAL RECESSIVE 4, WITH ENLARGED VESTIBULAR AQUEDUCT, DIGENIC; NEUROSENSORY NONSYNDROMIC RECESSIVE DEAFNESS 4. Identifiers: Orphanet 90636, MedGen C3538946, MONDO:0010933, OMIM 600791.

Allele frequency attached by ClinVar (database versions not stated): gnomAD exomes 0.00012 and 0.00042; ExAC 0.00049; TOPMed 0.00135; gnomAD 0.00146 and 0.00155; ESP Exome Variant Server 0.00154; 1000 Genomes Project 30x 0.00156; 1000 Genomes Project 0.00180.
gnomAD v4.1: 401 of 1,614,204 alleles (0.025%); highest among the groups gnomAD compares: African/African-American, 0.47%; 2 homozygotes.

Submissions (9):

Labcorp Genetics (formerly Invitae), Labcorp
Classification: Likely benign for EAST syndrome. Last evaluated: 2026-01-31. Review status: criteria provided, single submitter. Criteria: Invitae Variant Classification Sherloc (09022015). Collection method: clinical testing. Allele origin: germline.

Mayo Clinic Laboratories, Mayo Clinic
Classification: Uncertain significance. Last evaluated: 2021-12-21. Review status: criteria provided, single submitter. Criteria: ACMG Guidelines, 2015. Collection method: clinical testing. Allele origin: germline.

Ambry Genetics
Classification: Likely benign for Inborn genetic diseases. Last evaluated: 2019-02-15. Review status: criteria provided, single submitter. Criteria: Ambry Variant Classification Scheme 2023. Collection method: clinical testing. Allele origin: germline.

GeneDx
Classification: Benign. Last evaluated: 2018-12-26. Review status: criteria provided, single submitter. Criteria: GeneDx Variant Classification Process June 2021. Collection method: clinical testing. Allele origin: germline. Affected: yes.

Eurofins Ntd Llc (ga)
Classification: Uncertain significance. Last evaluated: 2018-05-29. Review status: criteria provided, single submitter. Criteria: EGL ClinVar v180209 classification definitions. Collection method: clinical testing. Allele origin: germline. Observed: 2 variant alleles, 2 heterozygotes.

Illumina Laboratory Services, Illumina
Classification: Uncertain significance for Autosomal recessive nonsyndromic hearing loss 4. Last evaluated: 2018-01-12. Review status: criteria provided, single submitter. Criteria: ICSL Variant Classification Criteria 13 December 2019. Collection method: clinical testing. Allele origin: germline.

Illumina Laboratory Services, Illumina
Classification: Likely benign for EAST syndrome. Last evaluated: 2018-01-12. Review status: criteria provided, single submitter. Criteria: ICSL Variant Classification Criteria 13 December 2019. Collection method: clinical testing. Allele origin: germline.
Comment: This variant was observed in the ICSL laboratory as part of a predisposition screen in an ostensibly healthy population. It had not been previously curated by ICSL or reported in the Human Gene Mutation Database (HGMD: prior to June 1st, 2018), and was therefore a candidate for classification through an automated scoring system. Utilizing variant allele frequency, disease prevalence and penetrance estimates, and inheritance mode, an automated score was calculated to assess if this variant is too frequent to cause the disease. Based on the score and internal cut-off values, a variant classified as likely benign is not then subjected to further curation. The score for this variant resulted in a classification of likely benign for this disease.

Genetic Services Laboratory, University of Chicago
Classification: Uncertain significance. Last evaluated: 2016-01-11. Review status: criteria provided, single submitter. Criteria: ACMG Guidelines, 2015. Collection method: clinical testing. Allele origin: germline. Affected: no.

PreventionGenetics, part of Exact Sciences
Classification: Likely benign for KCNJ10-related condition. Last evaluated: 2019-08-13. Review status: no assertion criteria provided. Collection method: clinical testing. Allele origin: germline. Not counted in ClinVar's aggregate classification.
Comment: This variant is classified as likely benign based on ACMG/AMP sequence variant interpretation guidelines (Richards et al. 2015 PMID: 25741868, with internal and published modifications).

NM_002241.5(KCNJ10):c.735C>G (p.Asp245Glu)

Gene: KCNJ10 (potassium inwardly rectifying channel subfamily J member 10; minus strand). Cytogenetic location: 1q23.2.
Variant type: single nucleotide variant.
Coding change: c.735C>G on transcript NM_002241.5 (MANE Select); coding-DNA position 735, C replaced by G.
Protein change: p.Asp245Glu; replaces aspartic acid 245 with glutamic acid.
Molecular consequence: missense variant.
Genome position (GRCh38, 1-based): chr1:160,041,798, G>C on the plus strand (C>G on the coding strand, the complement: KCNJ10 is on the minus strand). VCF-style: chr1-160041798-G-C. GRCh37 (hg19) VCF-style: chr1-160011588-G-C.
Other names: p.D245E:GAC>GAG; p.Asp245Glu; short protein forms D245E.
Identifiers: ClinVar variation 205815 (VCV000205815.32), dbSNP rs146426296, ClinGen allele CA315257.